The following is an entry in ClinVar:

NM_001372044.2(SHANK3):c.4225C>T (p.Pro1409Ser)

Gene: SHANK3 (SH3 and multiple ankyrin repeat domains 3; plus strand). Cytogenetic location: 22q13.33.
Variant type: single nucleotide variant.
Coding change: c.4225C>T on transcript NM_001372044.2 (MANE Select); coding-DNA position 4225, C replaced by T.
Protein change: p.Pro1409Ser; replaces proline 1409 with serine.
Molecular consequence: missense variant.
Genome position (GRCh38, 1-based): chr22:50,721,833, C>T. VCF-style: chr22-50721833-C-T. GRCh37 (hg19) VCF-style: chr22-51160261-C-T.
Other names: c.4000C>T (NM_033517.1); short protein forms P1409S.
Identifiers: ClinVar variation 4994854 (VCV004994854.1).
Genomic context (GRCh38, chr22:50,721,833, plus strand): 5'-GCCAACGGGGTCCTGCTGGCCACCCCACTCGCTGGCCCGGGCCCCTCGCCCACCACGGTG[C>T]CCAGCCCGGCCTCAGGGAAGCCCAGCAGTGAGCCACCCCCTGCCCCTGAGTCTGCAGCCG-3'
Protein context (NP_001358973.1, residues 1399-1419): AGPGPSPTTV[Pro1409Ser]SPASGKPSSE

ClinVar aggregate classification (germline): Uncertain significance (1 of 4 stars; one submission).

Conditions:
SHANK3-related disorder. Also called: SHANK3-related condition.

Submission:

PreventionGenetics, part of Exact Sciences
Classification: Uncertain significance for SHANK3-related condition. Last evaluated: 2026-06-18. Review status: criteria provided, single submitter. Criteria: ACMG Guidelines, 2015. Collection method: clinical testing. Allele origin: germline.
Comment: The SHANK3 c.4000C>T variant is predicted to result in the amino acid substitution p.Pro1334Ser. To our knowledge, this variant has not been reported in the literature or in a large population database (gnomAD), indicating this variant is rare. At this time, the clinical significance of this variant is uncertain due to the absence of conclusive functional and genetic evidence.